The following is an entry in ClinVar:

ClinVar aggregate classification (germline): Uncertain significance (1 of 4 stars; one submission).

Conditions:
Bethlem myopathy 1A. Also called: MYOPATHY, BENIGN CONGENITAL, WITH CONTRACTURES; Bethlem myopathy 1; Bethlem Muscular Dystrophy. Identifiers: Orphanet 610, MedGen CN029274, MONDO:0024530, OMIM 158810.

gnomAD v4.1: 2 of 1,614,186 alleles (0.00012%); highest among the groups gnomAD compares: Non-Finnish European, 0.00017%; no homozygotes.

Submission:

Labcorp Genetics (formerly Invitae), Labcorp
Classification: Uncertain significance for Bethlem myopathy 1A. Last evaluated: 2025-05-27. Review status: criteria provided, single submitter. Criteria: Invitae Variant Classification Sherloc (09022015). Collection method: clinical testing. Allele origin: germline.
Comment: This sequence change replaces leucine, which is neutral and non-polar, with phenylalanine, which is neutral and non-polar, at codon 158 of the COL6A3 protein (p.Leu158Phe). This variant is not present in population databases (gnomAD no frequency). This variant has not been reported in the literature in individuals affected with COL6A3-related conditions. Invitae Evidence Modeling of protein sequence and biophysical properties (such as structural, functional, and spatial information, amino acid conservation, physicochemical variation, residue mobility, and thermodynamic stability) indicates that this missense variant is not expected to disrupt COL6A3 protein function with a negative predictive value of 95%. In summary, the available evidence is currently insufficient to determine the role of this variant in disease. Therefore, it has been classified as a Variant of Uncertain Significance.

NM_004369.4(COL6A3):c.472C>T (p.Leu158Phe)

Gene: COL6A3 (collagen type VI alpha 3 chain; minus strand). Cytogenetic location: 2q37.3.
Variant type: single nucleotide variant.
Coding change: c.472C>T on transcript NM_004369.4 (MANE Select); coding-DNA position 472, C replaced by T.
Protein change: p.Leu158Phe; replaces leucine 158 with phenylalanine.
Molecular consequence: missense variant. On other transcripts: intron variant (4).
Genome position (GRCh38, 1-based): chr2:237,394,824, G>A on the plus strand (C>T on the coding strand, the complement: COL6A3 is on the minus strand). VCF-style: chr2-237394824-G-A. GRCh37 (hg19) VCF-style: chr2-238303467-G-A.
Other names: c.91+1903C>T (NM_057166.5, NM_057167.4, NM_057164.5 and 1 more transcripts); short protein forms L158F.
Identifiers: ClinVar variation 4798080 (VCV004798080.1).
Genomic context (GRCh38, chr2:237,394,824, plus strand): 5'-CAACTCCAATTGCAAACACGTTAACATCAGCAGACTTAAGTTCCGCTGAGGGCAGAGCAA[G>A]GCCATCCTTCGAGTGTCCATCAGTTAACACTACGATAACCTGAGGGACTCCGTCACCGGC-3'
Protein context (NP_004360.2, residues 148-168): VLTDGHSKDG[Leu158Phe]ALPSAELKSA